The following is an entry in ClinVar:

ClinVar aggregate classification (germline): Uncertain significance. Review status: criteria provided, multiple submitters, no conflicts (2 of 4 stars). 2 submissions from 2 submitters: Uncertain significance (2). Last evaluated 2026-01-18.

Submissions (2):

Labcorp Genetics (formerly Invitae), Labcorp
Classification: Uncertain significance. Last evaluated: 2026-01-18. Review status: criteria provided, single submitter. Criteria: Invitae Variant Classification Sherloc (09022015). Collection method: clinical testing. Allele origin: germline.
Comment: This sequence change replaces histidine, which is basic and polar, with proline, which is neutral and non-polar, at codon 390 of the SIPA1L3 protein (p.His390Pro). This variant is present in population databases (rs755629457, gnomAD 0.04%). This variant has not been reported in the literature in individuals affected with SIPA1L3-related conditions. ClinVar contains an entry for this variant (Variation ID: 3954720). An algorithm developed to predict the effect of missense changes on protein structure and function (PolyPhen-2) suggests that this variant is likely to be tolerated. In summary, the available evidence is currently insufficient to determine the role of this variant in disease. Therefore, it has been classified as a Variant of Uncertain Significance.

Ambry Genetics
Classification: Uncertain significance. Last evaluated: 2025-03-20. Review status: criteria provided, single submitter. Criteria: Ambry Variant Classification Scheme 2023. Collection method: clinical testing. Allele origin: germline.

NM_015073.3(SIPA1L3):c.1169A>C (p.His390Pro)

Gene: SIPA1L3 (signal induced proliferation associated 1 like 3; plus strand). Cytogenetic location: 19q13.13.
Variant type: single nucleotide variant.
Coding change: c.1169A>C on transcript NM_015073.3 (MANE Select); coding-DNA position 1169, A replaced by C.
Protein change: p.His390Pro; replaces histidine 390 with proline.
Molecular consequence: missense variant.
Genome position (GRCh38, 1-based): chr19:38,082,734, A>C. VCF-style: chr19-38082734-A-C. GRCh37 (hg19) VCF-style: chr19-38573374-A-C.
Other names: short protein forms H390P.
Identifiers: ClinVar variation 3954720 (VCV003954720.2).